The following is an entry in ClinVar:

ClinVar aggregate classification (germline): Uncertain significance (1 of 4 stars; one submission).

Submission:

GeneDx
Classification: Uncertain significance. Last evaluated: 2026-04-17. Review status: criteria provided, single submitter. Criteria: GeneDx Variant Classification Process June 2021. Collection method: clinical testing. Allele origin: germline.
Comment: Not observed at significant frequency in large population cohorts (gnomAD); In silico analysis supports that this missense variant has a deleterious effect on protein structure/function; Has not been previously published as pathogenic or benign to our knowledge

NM_003011.4(SET):c.191G>A (p.Arg64His)

Gene: SET (SET nuclear proto-oncogene; plus strand). Cytogenetic location: 9q34.11.
Variant type: single nucleotide variant.
Coding change: c.191G>A on transcript NM_003011.4 (MANE Select); coding-DNA position 191, G replaced by A.
Protein change: p.Arg64His; replaces arginine 64 with histidine.
Molecular consequence: missense variant.
Genome position (GRCh38, 1-based): chr9:128,691,917, G>A. VCF-style: chr9-128691917-G-A. GRCh37 (hg19) VCF-style: chr9-131454196-G-A.
Other names: c.230G>A, p.Arg77His (NM_001122821.2, NM_001374326.1); c.164G>A, p.Arg55His (NM_001248000.2); c.158G>A, p.Arg53His (NM_001248001.2); short protein forms R53H, R55H, R64H, R77H.
Identifiers: ClinVar variation 3765937 (VCV003765937.2).